The following is an entry in ClinVar:

NM_017671.5(FERMT1):c.456dup (p.Asp153fs)

Gene: FERMT1 (FERM domain containing kindlin 1; minus strand). Cytogenetic location: 20p12.3.
Variant type: Duplication.
Coding change: c.456dup on transcript NM_017671.5 (MANE Select); coding-DNA position 456, one base duplicated (A; older notation c.456dupA).
Protein change: p.Asp153fs; shifts the reading frame from aspartic acid 153.
Molecular consequence: frameshift variant.
Genome position (GRCh38, 1-based): chr20:6,112,553, T duplicated on the plus strand (A on the coding strand, the reverse complement: FERMT1 is on the minus strand); the first of 6 consecutive T bases (chr20:6,112,553-6,112,558); duplicating any one gives the same sequence. VCF-style (leftmost placement, unchanged base first): chr20-6112552-C-CT. GRCh37 (hg19) VCF-style: chr20-6093199-C-CT.
Other names: c.456dupA (NM_017671.5); short protein forms D153fs.
Identifiers: ClinVar variation 1338732 (VCV001338732.2), dbSNP rs2123144933, ClinGen allele CA2573054896.

ClinVar aggregate classification (germline): not provided (0 of 4 stars; one submission).

Conditions:
Kindler syndrome (KNDLRS). Also called: POIKILODERMA, CONGENITAL, WITH BULLAE, WEARY TYPE; POIKILODERMA, HEREDITARY ACROKERATOTIC; BULLOUS ACROKERATOTIC POIKILODERMA OF KINDLER AND WEARY; Poikiloderma of Kindler; Congenital bullous poikiloderma; Kindler's syndrome. Identifiers: Orphanet 2908, Orphanet 306539, MedGen C0406557, MONDO:0008260, OMIM 173650.

Submission:

GeneReviews
No classification provided. Condition: Kindler syndrome. Review status: no classification provided. Collection method: literature only. Allele origin: germline.
Comment: Common pathogenic variant

Literature cited by the submitters: NCBI Bookshelf NBK349072; PubMed 22466645; PubMed 31340837.